The following is an entry in ClinVar:

ClinVar aggregate classification (germline): Uncertain significance. Review status: criteria provided, multiple submitters, no conflicts (2 of 4 stars). 3 submissions from 3 submitters: Uncertain significance (3). Last evaluated 2023-02-01.

Conditions:
Early-onset myopathy with fatal cardiomyopathy (CMYO5). Also called: Salih Myopathy; CONGENITAL MYOPATHY 5 WITH CARDIOMYOPATHY. Identifiers: Orphanet 289377, MedGen C2673677, MONDO:0012714, OMIM 611705. Disease mechanism: loss of function.
Autosomal recessive limb-girdle muscular dystrophy type 2J (LGMDR10). Also called: Limb-girdle muscular dystrophy, type 2J; MUSCULAR DYSTROPHY, LIMB-GIRDLE, AUTOSOMAL RECESSIVE 10. Identifiers: Orphanet 140922, MedGen C1837342, MONDO:0012127, OMIM 608807.
Myopathy, myofibrillar, 9, with early respiratory failure (MFM9). Also called: EDSTROM MYOPATHY; MYOPATHY, PROXIMAL, WITH EARLY RESPIRATORY MUSCLE INVOLVEMENT; Myopathy, distal, with early respiratory failure, autosomal dominant; Hereditary myopathy with early respiratory failure. Identifiers: Orphanet 178464, Orphanet 34521, MedGen C1863599, MONDO:0011362, OMIM 603689.
Dilated cardiomyopathy 1G (CMD1G). Identifiers: Orphanet 154, MedGen C1858763, MONDO:0011400, OMIM 604145.
Tibial muscular dystrophy (TMD). Also called: Tibial muscular dystrophy, tardive; UDD MYOPATHY; Udd Distal Myopathy – Tibial Muscular Dystrophy. Identifiers: Orphanet 609, MedGen C1838244, MONDO:0010870, OMIM 600334.
Hypertrophic cardiomyopathy 9. Also called: Familial hypertrophic cardiomyopathy 9. Identifiers: MedGen C1861065, MONDO:0013412, OMIM 613765.

Allele frequency attached by ClinVar (database versions not stated): gnomAD exomes below 0.00001; gnomAD 0.00001; TOPMed 0.00001; ExAC 0.00002.
gnomAD v4.1: 4 of 1,610,584 alleles (0.00025%); highest among the groups gnomAD compares: Admixed American, 0.0017%; no homozygotes.

Submissions (3):

CeGaT Center for Human Genetics Tuebingen
Classification: Uncertain significance. Last evaluated: 2023-02-01. Review status: criteria provided, single submitter. Criteria: CeGaT Center For Human Genetics Tuebingen Variant Classification Criteria Version 2. Collection method: clinical testing. Allele origin: germline. Affected: yes. Observed: 1 variant allele.
Comment: TTN: PM2

GeneDx
Classification: Uncertain significance. Last evaluated: 2022-05-31. Review status: criteria provided, single submitter. Criteria: GeneDx Variant Classification Process June 2021. Collection method: clinical testing. Allele origin: germline. Affected: yes.
Comment: Not observed at significant frequency in large population cohorts (gnomAD); Missense variant in a gene in which most reported pathogenic variants are truncating/loss of function; Has not been previously published as pathogenic or benign to our knowledge

Fulgent Genetics
Classification: Uncertain significance for Tibial muscular dystrophy; Myopathy, myofibrillar, 9, with early respiratory failure; Dilated cardiomyopathy 1G; Autosomal recessive limb-girdle muscular dystrophy type 2J; Early-onset myopathy with fatal cardiomyopathy; Hypertrophic cardiomyopathy 9. Last evaluated: 2021-11-01. Review status: criteria provided, single submitter. Criteria: ACMG Guidelines, 2015. Collection method: clinical testing. Allele origin: unknown.

NM_001267550.2(TTN):c.49396G>A (p.Ala16466Thr)

Genes: TTN (titin; minus strand), TTN-AS1 (TTN antisense RNA 1; plus strand). Cytogenetic location: 2q31.2.
Variant type: single nucleotide variant.
Coding change: c.49396G>A on transcript NM_001267550.2 (MANE Select); coding-DNA position 49396, G replaced by A.
Protein change: p.Ala16466Thr; replaces alanine 16466 with threonine.
Molecular consequence: missense variant.
Genome position (GRCh38, 1-based): chr2:178,613,887, C>T on the plus strand (G>A on the coding strand, the complement: TTN is on the minus strand). VCF-style: chr2-178613887-C-T. GRCh37 (hg19) VCF-style: chr2-179478614-C-T.
Other names: p.A14825T:GCA>ACA; c.44473G>A, p.Ala14825Thr (NM_001256850.1); c.22201G>A, p.Ala7401Thr (NM_003319.4); c.41692G>A, p.Ala13898Thr (NM_133378.4); c.22576G>A, p.Ala7526Thr (NM_133432.3); c.22777G>A, p.Ala7593Thr (NM_133437.4); c.49396G>A (NM_001267550.1); short protein forms A14825T, A16466T, A13898T, A7593T, A7401T, A7526T.
Identifiers: ClinVar variation 202677 (VCV000202677.29), dbSNP rs755998484, ClinGen allele CA309953.
Genomic context (GRCh38, chr2:178,613,887, plus strand): 5'-AGTATCCTGTGATTGGGCTGCCACCATCATCATCTGGCTCACACCATGTGAGAGTCACTG[C>T]GTCTTTAGTGATATCAGAAGGTTCTAGGCGAGTTGGAGGACCAGGTGGATCTATAGACAG-3'
Protein context (NP_001254479.2, residues 16456-16476): RLEPSDITKD[Ala16466Thr]VTLTWCEPDD